The following is an entry in ClinVar:

ClinVar aggregate classification (germline): Pathogenic. Review status: criteria provided, multiple submitters, no conflicts (2 of 4 stars). 2 submissions from 2 submitters: Pathogenic (2). Last evaluated 2024-01-04.

Conditions:
Hereditary cancer-predisposing syndrome. Also called: Tumor predisposition; Neoplastic Syndromes, Hereditary; Hereditary Cancer Syndrome; Hereditary neoplastic syndrome. Identifiers: Orphanet 140162, MedGen C0027672, MeSH D009386, MONDO:0015356.
Breast-ovarian cancer, familial, susceptibility to, 4. Identifiers: Orphanet 145, MedGen C3280345, MONDO:0013669, OMIM 614291.

Submissions (2):

Myriad Genetics, Inc.
Classification: Pathogenic for Breast-ovarian cancer, familial, susceptibility to, 4. Last evaluated: 2024-01-04. Review status: criteria provided, single submitter. Criteria: Myriad Autosomal Dominant, Autosomal Recessive and X-Linked Classification Criteria (2023). Collection method: clinical testing. Allele origin: unknown.
Comment: This variant is considered pathogenic. This variant creates a frameshift predicted to result in premature protein truncation.

Ambry Genetics
Classification: Pathogenic for Hereditary cancer-predisposing syndrome. Last evaluated: 2023-12-04. Review status: criteria provided, single submitter. Criteria: Ambry Variant Classification Scheme 2023. Collection method: clinical testing. Allele origin: germline.
Comment: The c.315delT pathogenic mutation, located in coding exon 4 of the RAD51D gene, results from a deletion of one nucleotide at nucleotide position 315, causing a translational frameshift with a predicted alternate stop codon (p.I105Mfs*2). This variant is considered to be rare based on population cohorts in the Genome Aggregation Database (gnomAD). This alteration is expected to result in loss of function by premature protein truncation or nonsense-mediated mRNA decay. As such, this alteration is interpreted as a disease-causing mutation.

NM_002878.4(RAD51D):c.315del (p.Ile105fs)

Genes: RAD51L3-RFFL (RAD51L3-RFFL readthrough; minus strand), RAD51D (RAD51 paralog D; minus strand). Cytogenetic location: 17q12.
Variant type: Deletion.
Coding change: c.315del on transcript NM_002878.4 (MANE Select); coding-DNA position 315, one base deleted (T; older notation c.315delT).
Protein change: p.Ile105fs; shifts the reading frame from isoleucine 105.
Molecular consequence: frameshift variant. On other transcripts: intron variant (1), non-coding transcript variant (2).
Genome position (GRCh38, 1-based): chr17:35,107,396, A deleted on the plus strand (T on the coding strand, the reverse complement: RAD51D is on the minus strand); the first of 2 consecutive A bases (chr17:35,107,396-35,107,397); deleting either gives the same sequence. VCF-style (leftmost placement, unchanged base first): chr17-35107395-CA-C. GRCh37 (hg19) VCF-style: chr17-33434414-CA-C.
Other names: c.145-915del (NM_133629.3); c.375del, p.Ile125fs (NM_001142571.2); c.315delT (NM_002878.3); short protein forms I105fs, I125fs.
Identifiers: ClinVar variation 1728283 (VCV001728283.2), dbSNP rs2509142706, ClinGen allele CA2580093225.